The following is an entry in ClinVar:

ClinVar aggregate classification (germline): Uncertain significance (1 of 4 stars; one submission).

Conditions:
Progressive sclerosing poliodystrophy (MTDPS4A). Also called: ALPERS PROGRESSIVE INFANTILE POLIODYSTROPHY; NEURONAL DEGENERATION OF CHILDHOOD WITH LIVER DISEASE, PROGRESSIVE; Alpers Syndrome; ALPERS DIFFUSE DEGENERATION OF CEREBRAL GRAY MATTER WITH HEPATIC CIRRHOSIS; Alpers-Huttenlocher Syndrome; Mitochondrial DNA Depletion Syndrome 4A. Identifiers: Orphanet 726, MedGen C0205710, MONDO:0008758, OMIM 203700.

Submission:

Labcorp Genetics (formerly Invitae), Labcorp
Classification: Uncertain significance for Progressive sclerosing poliodystrophy. Last evaluated: 2023-12-19. Review status: criteria provided, single submitter. Criteria: Invitae Variant Classification Sherloc (09022015). Collection method: clinical testing. Allele origin: germline.
Comment: This sequence change replaces methionine, which is neutral and non-polar, with leucine, which is neutral and non-polar, at codon 705 of the POLG protein (p.Met705Leu). This variant is not present in population databases (gnomAD no frequency). This missense change has been observed in individual(s) with POLG-related conditions (PMID: 35861376). Advanced modeling of protein sequence and biophysical properties (such as structural, functional, and spatial information, amino acid conservation, physicochemical variation, residue mobility, and thermodynamic stability) performed at Invitae indicates that this missense variant is not expected to disrupt POLG protein function with a negative predictive value of 95%. In summary, the available evidence is currently insufficient to determine the role of this variant in disease. Therefore, it has been classified as a Variant of Uncertain Significance.

Literature cited by the submitters: PubMed 35861376.

NM_002693.3(POLG):c.2113A>T (p.Met705Leu)

Gene: POLG (DNA polymerase gamma, catalytic subunit; minus strand). Cytogenetic location: 15q26.1.
Variant type: single nucleotide variant.
Coding change: c.2113A>T on transcript NM_002693.3 (MANE Select); coding-DNA position 2113, A replaced by T.
Protein change: p.Met705Leu; replaces methionine 705 with leucine.
Molecular consequence: missense variant.
Genome position (GRCh38, 1-based): chr15:89,323,859, T>A on the plus strand (A>T on the coding strand, the complement: POLG is on the minus strand). VCF-style: chr15-89323859-T-A. GRCh37 (hg19) VCF-style: chr15-89867090-T-A.
Other names: c.2113A>T, p.Met705Leu (NM_001126131.2); short protein forms M705L.
Identifiers: ClinVar variation 2819179 (VCV002819179.3), dbSNP rs2152063192, ClinGen allele CA393757164.